The following is an entry in ClinVar:

NM_000161.3(GCH1):c.395T>C (p.Val132Ala)

Gene: GCH1 (GTP cyclohydrolase 1; minus strand). Cytogenetic location: 14q22.2.
Variant type: single nucleotide variant.
Coding change: c.395T>C on transcript NM_000161.3 (MANE Select); coding-DNA position 395, T replaced by C.
Protein change: p.Val132Ala; replaces valine 132 with alanine.
Molecular consequence: missense variant.
Genome position (GRCh38, 1-based): chr14:54,865,385, A>G on the plus strand (T>C on the coding strand, the complement: GCH1 is on the minus strand). VCF-style: chr14-54865385-A-G. GRCh37 (hg19) VCF-style: chr14-55332103-A-G.
Other names: c.395T>C, p.Val132Ala (NM_001024024.2, NM_001024070.2, NM_001024071.2); short protein forms V132A.
Identifiers: ClinVar variation 431944 (VCV000431944.9), dbSNP rs1555360034, ClinGen allele CA389790125.

ClinVar aggregate classification (germline): Conflicting classifications of pathogenicity. Review status: criteria provided, conflicting classifications (1 of 4 stars). 2 submissions from 2 submitters: Likely pathogenic (1); Uncertain significance (1). Last evaluated 2025-09-23.

Conditions:
Dystonia 5 (DRD). Also called: DYSTONIA, PROGRESSIVE, WITH DIURNAL VARIATION; DYSTONIA-PARKINSONISM WITH DIURNAL FLUCTUATION; GTP Cyclohydrolase 1-Deficient Dopa-Responsive Dystonia; DYT-GCH1; Dystonia, DOPA-responsive, with or without hyperphenylalaninemia. Identifiers: Orphanet 98808, MedGen C1851920, MONDO:0007495, OMIM 128230.
GTP cyclohydrolase I deficiency. Identifiers: MedGen C0268467, MONDO:0100184.

Submissions (2):

GeneDx
Classification: Likely pathogenic. Last evaluated: 2025-09-23. Review status: criteria provided, single submitter. Criteria: GeneDx Variant Classification Process June 2021. Collection method: clinical testing. Allele origin: germline. Affected: yes.
Comment: Not observed at significant frequency in large population cohorts (gnomAD); In silico analysis supports that this missense variant has a deleterious effect on protein structure/function; Has not been previously published as pathogenic or benign to our knowledge

Labcorp Genetics (formerly Invitae), Labcorp
Classification: Uncertain significance for GTP cyclohydrolase I deficiency; Dystonia 5. Last evaluated: 2021-09-04. Review status: criteria provided, single submitter. Criteria: Invitae Variant Classification Sherloc (09022015). Collection method: clinical testing. Allele origin: germline.
Comment: In summary, the available evidence is currently insufficient to determine the role of this variant in disease. Therefore, it has been classified as a Variant of Uncertain Significance. Algorithms developed to predict the effect of missense changes on protein structure and function (SIFT, PolyPhen-2, Align-GVGD) all suggest that this variant is likely to be disruptive. ClinVar contains an entry for this variant (Variation ID: 431944). This variant has not been reported in the literature in individuals affected with GCH1-related conditions. This variant is not present in population databases (ExAC no frequency). This sequence change replaces valine with alanine at codon 132 of the GCH1 protein (p.Val132Ala). The valine residue is highly conserved and there is a small physicochemical difference between valine and alanine.